The following is an entry in ClinVar:

NM_000492.4(CFTR):c.3367+1G>T

Genes: CFTR (CF transmembrane conductance regulator; plus strand), CFTR-AS2 (CFTR antisense RNA 2; minus strand), LOC111674472 (DNase I hypersensitive sites in introns 16 and 17a of CFTR; plus strand). Cytogenetic location: 7q31.2.
Variant type: single nucleotide variant.
Coding change: c.3367+1G>T on transcript NM_000492.4 (MANE Select); the canonical splice donor site of the intron after coding-DNA position 3367, G replaced by T.
Molecular consequence: splice donor variant.
Genome position (GRCh38, 1-based): chr7:117,611,809, G>T. VCF-style: chr7-117611809-G-T. GRCh37 (hg19) VCF-style: chr7-117251863-G-T.
Identifiers: ClinVar variation 2812835 (VCV002812835.3), dbSNP rs1470125842, ClinGen allele CA368992638.

ClinVar aggregate classification (germline): Likely pathogenic (1 of 4 stars; one submission).

Conditions:
Cystic fibrosis (CF). Also called: MUCOVISCIDOSIS. Identifiers: Orphanet 586, MedGen C0010674, MONDO:0009061, OMIM 219700. Disease mechanism: loss of function.

gnomAD v4.1: 1 of 1,599,416 alleles (0.000063%); no homozygotes.

Submission:

Labcorp Genetics (formerly Invitae), Labcorp
Classification: Likely pathogenic for Cystic fibrosis. Last evaluated: 2023-12-14. Review status: criteria provided, single submitter. Criteria: Invitae Variant Classification Sherloc (09022015). Collection method: clinical testing. Allele origin: germline.
Comment: This sequence change affects a donor splice site in intron 20 of the CFTR gene. It is expected to disrupt RNA splicing. Variants that disrupt the donor or acceptor splice site typically lead to a loss of protein function (PMID: 16199547), and loss-of-function variants in CFTR are known to be pathogenic (PMID: 1695717, 7691345, 9725922). This variant is not present in population databases (gnomAD no frequency). This variant has not been reported in the literature in individuals affected with CFTR-related conditions. Algorithms developed to predict the effect of sequence changes on RNA splicing suggest that this variant may disrupt the consensus splice site. In summary, the currently available evidence indicates that the variant is pathogenic, but additional data are needed to prove that conclusively. Therefore, this variant has been classified as Likely Pathogenic.

Literature cited by the submitters: PubMed 16199547; PubMed 1695717; PubMed 7691345; PubMed 9725922.